The following is an entry in ClinVar:

ClinVar aggregate classification (germline): Uncertain significance (1 of 4 stars; one submission).

Submission:

Labcorp Genetics (formerly Invitae), Labcorp
Classification: Uncertain significance. Last evaluated: 2022-09-09. Review status: criteria provided, single submitter. Criteria: Invitae Variant Classification Sherloc (09022015). Collection method: clinical testing. Allele origin: germline.
Comment: This sequence change replaces proline, which is neutral and non-polar, with arginine, which is basic and polar, at codon 502 of the COL4A4 protein (p.Pro502Arg). This variant is not present in population databases (gnomAD no frequency). This variant has not been reported in the literature in individuals affected with COL4A4-related conditions. Advanced modeling of protein sequence and biophysical properties (such as structural, functional, and spatial information, amino acid conservation, physicochemical variation, residue mobility, and thermodynamic stability) performed at Invitae indicates that this missense variant is not expected to disrupt COL4A4 protein function. In summary, the available evidence is currently insufficient to determine the role of this variant in disease. Therefore, it has been classified as a Variant of Uncertain Significance.

NM_000092.5(COL4A4):c.1505C>G (p.Pro502Arg)

Gene: COL4A4 (collagen type IV alpha 4 chain; minus strand). Cytogenetic location: 2q36.3.
Variant type: single nucleotide variant.
Coding change: c.1505C>G on transcript NM_000092.5 (MANE Select); coding-DNA position 1505, C replaced by G.
Protein change: p.Pro502Arg; replaces proline 502 with arginine.
Molecular consequence: missense variant.
Genome position (GRCh38, 1-based): chr2:227,088,771, G>C on the plus strand (C>G on the coding strand, the complement: COL4A4 is on the minus strand). VCF-style: chr2-227088771-G-C. GRCh37 (hg19) VCF-style: chr2-227953487-G-C.
Other names: short protein forms P502R.
Identifiers: ClinVar variation 2413559 (VCV002413559.3), dbSNP rs1001244655, ClinGen allele CA66550327.